The following is an entry in ClinVar:

NM_006953.4(UPK3A):c.545G>A (p.Trp182Ter)

Gene: UPK3A (uroplakin 3A; plus strand). Cytogenetic location: 22q13.31.
Variant type: single nucleotide variant.
Coding change: c.545G>A on transcript NM_006953.4 (MANE Select); coding-DNA position 545, G replaced by A.
Protein change: p.Trp182Ter; replaces tryptophan 182 with a stop codon.
Molecular consequence: nonsense. On other transcripts: intron variant (1).
Genome position (GRCh38, 1-based): chr22:45,289,117, G>A. VCF-style: chr22-45289117-G-A. GRCh37 (hg19) VCF-style: chr22-45684998-G-A.
Other names: c.208+3021G>A (NM_001167574.2); short protein forms W182*.
Identifiers: ClinVar variation 341980 (VCV000341980.11), dbSNP rs147609981, ClinGen allele CA10284431.

ClinVar aggregate classification (germline): Benign/Likely benign. Review status: criteria provided, multiple submitters, no conflicts (2 of 4 stars). 3 submissions from 3 submitters: Benign (1); Likely benign (2). Last evaluated 2019-12-31.

Conditions:
Renal hypodysplasia/aplasia 1 (RHDA1). Also called: RENAL APLASIA; HEREDITARY RENAL APLASIA. Identifiers: Orphanet 411709, MedGen C1619700, MONDO:0024519, OMIM 191830.

Allele frequency attached by ClinVar (database versions not stated): ESP Exome Variant Server 0.00023; gnomAD exomes 0.00216 and 0.00594; TOPMed 0.00217; gnomAD 0.00387 and 0.00395; ExAC 0.00538; 1000 Genomes Project 30x 0.00656; 1000 Genomes Project 0.00659.
gnomAD v4.1: 3,794 of 1,614,032 alleles (0.24%); highest among the groups gnomAD compares: East Asian, 2.2%; 40 homozygotes.

Submissions (3):

Labcorp Genetics (formerly Invitae), Labcorp
Classification: Benign. Last evaluated: 2019-12-31. Review status: criteria provided, single submitter. Criteria: Invitae Variant Classification Sherloc (09022015). Collection method: clinical testing. Allele origin: germline.

Illumina Laboratory Services, Illumina
Classification: Likely benign for Renal hypodysplasia/aplasia 1. Last evaluated: 2018-01-12. Review status: criteria provided, single submitter. Criteria: ICSL Variant Classification Criteria 13 December 2019. Collection method: clinical testing. Allele origin: germline.
Comment: This variant was observed in the ICSL laboratory as part of a predisposition screen in an ostensibly healthy population. It had not been previously curated by ICSL or reported in the Human Gene Mutation Database (HGMD: prior to June 1st, 2018), and was therefore a candidate for classification through an automated scoring system. Utilizing variant allele frequency, disease prevalence and penetrance estimates, and inheritance mode, an automated score was calculated to assess if this variant is too frequent to cause the disease. Based on the score and internal cut-off values, a variant classified as likely benign is not then subjected to further curation. The score for this variant resulted in a classification of likely benign for this disease.

Breakthrough Genomics
Classification: Likely benign. Review status: criteria provided, single submitter. Criteria: ACMG Guidelines, 2015. Collection method: not provided. Allele origin: germline. Inheritance: Unknown mechanism. Affected: yes.